The following is an entry in ClinVar:

ClinVar aggregate classification (germline): Uncertain significance (1 of 4 stars; one submission).

Allele frequency attached by ClinVar (database versions not stated): gnomAD exomes 0.00001; TOPMed 0.00001; ESP Exome Variant Server 0.00008.
gnomAD v4.1: 23 of 1,614,230 alleles (0.0014%); highest among the groups gnomAD compares: Non-Finnish European, 0.0019%; no homozygotes.

Submission:

Labcorp Genetics (formerly Invitae), Labcorp
Classification: Uncertain significance. Last evaluated: 2022-03-03. Review status: criteria provided, single submitter. Criteria: Invitae Variant Classification Sherloc (09022015). Collection method: clinical testing. Allele origin: germline.
Comment: In summary, the available evidence is currently insufficient to determine the role of this variant in disease. Therefore, it has been classified as a Variant of Uncertain Significance. Algorithms developed to predict the effect of missense changes on protein structure and function output the following: SIFT: "Not Available"; PolyPhen-2: "Benign"; Align-GVGD: "Not Available". The aspartic acid amino acid residue is found in multiple mammalian species, which suggests that this missense change does not adversely affect protein function. This variant has not been reported in the literature in individuals affected with POLR1C-related conditions. This variant is present in population databases (rs372836799, gnomAD 0.002%). This sequence change replaces glutamic acid, which is acidic and polar, with aspartic acid, which is acidic and polar, at codon 291 of the POLR1C protein (p.Glu291Asp).

NM_203290.4(POLR1C):c.873G>T (p.Glu291Asp)

Gene: POLR1C (RNA polymerase I and III subunit C; plus strand). Cytogenetic location: 6p21.1.
Variant type: single nucleotide variant.
Coding change: c.873G>T on transcript NM_203290.4 (MANE Select); coding-DNA position 873, G replaced by T.
Protein change: p.Glu291Asp; replaces glutamic acid 291 with aspartic acid.
Molecular consequence: missense variant.
Genome position (GRCh38, 1-based): chr6:43,520,999, G>T. VCF-style: chr6-43520999-G-T. GRCh37 (hg19) VCF-style: chr6-43488737-G-T.
Other names: c.873G>T, p.Glu291Asp (NM_001318876.2, NM_001363658.2); short protein forms E291D.
Identifiers: ClinVar variation 1521807 (VCV001521807.8), dbSNP rs372836799, ClinGen allele CA138324978.